The following is an entry in ClinVar:

NM_007098.4(CLTCL1):c.2709C>T (p.Ser903=)

Gene: CLTCL1 (clathrin heavy chain like 1; minus strand). Cytogenetic location: 22q11.21.
Variant type: single nucleotide variant.
Coding change: c.2709C>T on transcript NM_007098.4 (MANE Select); coding-DNA position 2709, C replaced by T.
Protein change: p.Ser903=; no amino-acid change (serine 903 retained).
Molecular consequence: synonymous variant.
Genome position (GRCh38, 1-based): chr22:19,221,464, G>A on the plus strand (C>T on the coding strand, the complement: CLTCL1 is on the minus strand). VCF-style: chr22-19221464-G-A. GRCh37 (hg19) VCF-style: chr22-19208987-G-A.
Other names: p.Ser903=; c.2709C>T, p.Ser903= (NM_001835.4).
Identifiers: ClinVar variation 4684457 (VCV004684457.1).
Genomic context (GRCh38, chr22:19,221,464, plus strand): 5'-CCGCTCATAGGCAACACAGGCCAGATGGGGGTCTCGCTTCTCACAGTAGCGGCCCACCAC[G>A]CTGCTGTCATAGTAGGCATTCTCTCTCAGGAAGCACTCGGGGCTGTTGTTGCTGTCGATG-3'
Protein context (NP_009029.3, residues 893-913): FLRENAYYDS[Ser903=]VVGRYCEKRD

ClinVar aggregate classification (germline): Likely benign (1 of 4 stars; one submission).

gnomAD v4.1: 22 of 1,585,564 alleles (0.0014%); highest among the groups gnomAD compares: Middle Eastern, 0.033%; no homozygotes.

Submission:

Mayo Clinic Laboratories, Mayo Clinic
Classification: Likely benign. Last evaluated: 2025-03-24. Review status: criteria provided, single submitter. Criteria: ACMG Guidelines, 2015. Collection method: clinical testing. Allele origin: germline. Observed: 1 variant allele.
Comment: BP4, BP7